The following is an entry in ClinVar:

NM_003680.4(YARS1):c.92T>C (p.Leu31Pro)

Gene: YARS1 (tyrosyl-tRNA synthetase 1; minus strand). Cytogenetic location: 1p35.1.
Variant type: single nucleotide variant.
Coding change: c.92T>C on transcript NM_003680.4 (MANE Select); coding-DNA position 92, T replaced by C.
Protein change: p.Leu31Pro; replaces leucine 31 with proline.
Molecular consequence: missense variant.
Genome position (GRCh38, 1-based): chr1:32,811,023, A>G on the plus strand (T>C on the coding strand, the complement: YARS1 is on the minus strand). VCF-style: chr1-32811023-A-G. GRCh37 (hg19) VCF-style: chr1-33276624-A-G.
Other names: short protein forms L31P.
Identifiers: ClinVar variation 1681537 (VCV001681537.6), dbSNP rs781102946, ClinGen allele CA745286.
Genomic context (GRCh38, chr1:32,811,023, plus strand): 5'-GCCACATGTGGTTTGCCCGTGGTTGCCGTTCCCCAGTAAATTTTAAGTTCCCGCTCCTTC[A>G]GTATCTCCTTCAGCTTCTCTTCCCCCAGAACCTCCTATTGTGGAAGCAGAAGAGTTAGTT-3'
Protein context (NP_003671.1, residues 21-41): VLGEEKLKEI[Leu31Pro]KERELKIYWG

ClinVar aggregate classification (germline): Uncertain significance (1 of 4 stars; one submission).

Conditions:
Charcot-Marie-Tooth disease dominant intermediate C (CMTDIC). Also called: CHARCOT-MARIE-TOOTH NEUROPATHY, DOMINANT INTERMEDIATE C. Identifiers: Orphanet 100045, MedGen C1842237, MONDO:0012012, OMIM 608323.

Allele frequency attached by ClinVar (database versions not stated): ExAC 0.00001.
gnomAD v4.1: 2 of 1,614,176 alleles (0.00012%); highest among the groups gnomAD compares: Non-Finnish European, 0.00017%; no homozygotes.

Submission:

Labcorp Genetics (formerly Invitae), Labcorp
Classification: Uncertain significance for Charcot-Marie-Tooth disease dominant intermediate C. Last evaluated: 2022-10-25. Review status: criteria provided, single submitter. Criteria: Invitae Variant Classification Sherloc (09022015). Collection method: clinical testing. Allele origin: germline.
Comment: In summary, the available evidence is currently insufficient to determine the role of this variant in disease. Therefore, it has been classified as a Variant of Uncertain Significance. Advanced modeling of protein sequence and biophysical properties (such as structural, functional, and spatial information, amino acid conservation, physicochemical variation, residue mobility, and thermodynamic stability) performed at Invitae indicates that this missense variant is expected to disrupt YARS protein function. ClinVar contains an entry for this variant (Variation ID: 1681537). This variant has not been reported in the literature in individuals affected with YARS-related conditions. This variant is present in population databases (rs781102946, gnomAD 0.0009%). This sequence change replaces leucine with proline at codon 31 of the YARS protein (p.Leu31Pro). The leucine residue is highly conserved and there is a moderate physicochemical difference between leucine and proline.